The following is an entry in ClinVar:

ClinVar aggregate classification (germline): Conflicting classifications of pathogenicity. Review status: criteria provided, conflicting classifications (1 of 4 stars). 2 submissions from 2 submitters: Uncertain significance (1); Likely benign (1). Last evaluated 2024-02-05.

Conditions:
SYNM-related disorder. Also called: SYNM-related condition.

Allele frequency attached by ClinVar (database versions not stated): gnomAD exomes below 0.00001.

Submissions (2):

Ambry Genetics
Classification: Uncertain significance. Last evaluated: 2024-02-05. Review status: criteria provided, single submitter. Criteria: Ambry Variant Classification Scheme 2023. Collection method: clinical testing. Allele origin: germline.

PreventionGenetics, part of Exact Sciences
Classification: Likely benign for SYNM-related condition. Last evaluated: 2019-09-24. Review status: criteria provided, single submitter. Criteria: ACMG Guidelines, 2015. Collection method: clinical testing. Allele origin: germline.
Comment: This variant is classified as likely benign based on ACMG/AMP sequence variant interpretation guidelines (Richards et al. 2015 PMID: 25741868, with internal and published modifications).

NM_145728.3(SYNM):c.905C>T (p.Thr302Ile)

Gene: SYNM (synemin; plus strand). Cytogenetic location: 15q26.3.
Variant type: single nucleotide variant.
Coding change: c.905C>T on transcript NM_145728.3 (MANE Select); coding-DNA position 905, C replaced by T.
Protein change: p.Thr302Ile; replaces threonine 302 with isoleucine.
Molecular consequence: missense variant.
Genome position (GRCh38, 1-based): chr15:99,113,685, C>T. VCF-style: chr15-99113685-C-T. GRCh37 (hg19) VCF-style: chr15-99653890-C-T.
Other names: c.905C>T, p.Thr302Ile (NM_015286.6); short protein forms T302I.
Identifiers: ClinVar variation 2407604 (VCV002407604.3), dbSNP rs2151800708, ClinGen allele CA393670920.